The following is an entry in ClinVar:

ClinVar aggregate classification (germline): Benign. Review status: criteria provided, multiple submitters, no conflicts (2 of 4 stars). 5 submissions from 5 submitters: Benign (5). Last evaluated 2026-02-04.

Conditions:
Junctional epidermolysis bullosa, non-Herlitz type. Also called: Adult junctional epidermolysis bullosa; COL17A1-Related Junctional Epidermolysis Bullosa; Epidermolysis bullosa, junctional, non-herlitz type, somatic mosaic revertant; EPIDERMOLYSIS BULLOSA JUNCTIONALIS, DISENTIS TYPE; EPIDERMOLYSIS BULLOSA JUNCTIONALIS, NON-HERLITZ TYPE; EPIDERMOLYSIS BULLOSA JUNCTIONALIS, PROGRESSIVE. Identifiers: Orphanet 251393, Orphanet 79402, Orphanet 79405, Orphanet 89840, MedGen C0268374, MONDO:0009180, OMIM 226650.

Allele frequency attached by ClinVar (database versions not stated): TOPMed 0.12898; 1000 Genomes Project 0.13179; 1000 Genomes Project 30x 0.13210; ESP Exome Variant Server 0.13824; gnomAD 0.13838 and 0.14122; gnomAD exomes 0.16224; ExAC 0.16252.
gnomAD v4.1: 271,647 of 1,613,846 alleles (17%); highest among the groups gnomAD compares: South Asian, 19%; 23,941 homozygotes.

Submissions (5):

Labcorp Genetics (formerly Invitae), Labcorp
Classification: Benign. Last evaluated: 2026-02-04. Review status: criteria provided, single submitter. Criteria: Invitae Variant Classification Sherloc (09022015). Collection method: clinical testing. Allele origin: germline.

Illumina Laboratory Services, Illumina
Classification: Benign for Junctional epidermolysis bullosa, non-Herlitz type. Last evaluated: 2018-01-13. Review status: criteria provided, single submitter. Criteria: ICSL Variant Classification Criteria 13 December 2019. Collection method: clinical testing. Allele origin: germline.
Comment: This variant was observed in the ICSL laboratory as part of a predisposition screen in an ostensibly healthy population. It had not been previously curated by ICSL or reported in the Human Gene Mutation Database (HGMD: prior to June 1st, 2018), and was therefore a candidate for classification through an automated scoring system. Utilizing variant allele frequency, disease prevalence and penetrance estimates, and inheritance mode, an automated score was calculated to assess if this variant is too frequent to cause the disease. Based on the score and internal cut-off values, a variant classified as benign is not then subjected to further curation. The score for this variant resulted in a classification of benign for this disease.

GeneDx
Classification: Benign. Last evaluated: 2015-03-03. Review status: criteria provided, single submitter. Criteria: GeneDx Variant Classification Process June 2021. Collection method: clinical testing. Allele origin: germline. Affected: yes.

Breakthrough Genomics
Classification: Benign. Review status: criteria provided, single submitter. Criteria: ACMG Guidelines, 2015. Collection method: not provided. Allele origin: germline. Inheritance: Autosomal recessive inheritance. Affected: yes.

PreventionGenetics, part of Exact Sciences
Classification: Benign. Review status: criteria provided, single submitter. Criteria: ACMG Guidelines, 2015. Collection method: clinical testing. Allele origin: germline.

NM_000494.4(COL17A1):c.1267+13C>T

Gene: COL17A1 (collagen type XVII alpha 1 chain; minus strand). Cytogenetic location: 10q25.1.
Variant type: single nucleotide variant.
Coding change: c.1267+13C>T on transcript NM_000494.4 (MANE Select); 13 bases into the intron after coding-DNA position 1267, C replaced by T.
Molecular consequence: intron variant.
Genome position (GRCh38, 1-based): chr10:104,058,133, G>A on the plus strand (C>T on the coding strand, the complement: COL17A1 is on the minus strand). VCF-style: chr10-104058133-G-A. GRCh37 (hg19) VCF-style: chr10-105817891-G-A.
Other names: c.1267+13C>T (LRG_1249t1).
Identifiers: ClinVar variation 256265 (VCV000256265.15), dbSNP rs11191910, ClinGen allele CA5679096.